The following is an entry in ClinVar:

ClinVar aggregate classification (germline): Uncertain significance (1 of 4 stars; one submission).

Allele frequency attached by ClinVar (database versions not stated): gnomAD exomes below 0.00001; TOPMed below 0.00001.
gnomAD v4.1: 2 of 1,613,964 alleles (0.00012%); highest among the groups gnomAD compares: East Asian, 0.0022%; no homozygotes.

Submission:

Labcorp Genetics (formerly Invitae), Labcorp
Classification: Uncertain significance. Last evaluated: 2024-01-25. Review status: criteria provided, single submitter. Criteria: Invitae Variant Classification Sherloc (09022015). Collection method: clinical testing. Allele origin: germline.
Comment: This sequence change replaces asparagine, which is neutral and polar, with tyrosine, which is neutral and polar, at codon 623 of the ENPP1 protein (p.Asn623Tyr). This variant is not present in population databases (gnomAD no frequency). This variant has not been reported in the literature in individuals affected with ENPP1-related conditions. Advanced modeling of protein sequence and biophysical properties (such as structural, functional, and spatial information, amino acid conservation, physicochemical variation, residue mobility, and thermodynamic stability) performed at Invitae indicates that this missense variant is not expected to disrupt ENPP1 protein function with a negative predictive value of 80%. In summary, the available evidence is currently insufficient to determine the role of this variant in disease. Therefore, it has been classified as a Variant of Uncertain Significance.

NM_006208.3(ENPP1):c.1867A>T (p.Asn623Tyr)

Gene: ENPP1 (ectonucleotide pyrophosphatase/phosphodiesterase 1; plus strand). Cytogenetic location: 6q23.2.
Variant type: single nucleotide variant.
Coding change: c.1867A>T on transcript NM_006208.3 (MANE Select); coding-DNA position 1867, A replaced by T.
Protein change: p.Asn623Tyr; replaces asparagine 623 with tyrosine.
Molecular consequence: missense variant.
Genome position (GRCh38, 1-based): chr6:131,877,135, A>T. VCF-style: chr6-131877135-A-T. GRCh37 (hg19) VCF-style: chr6-132198275-A-T.
Other names: short protein forms N623Y.
Identifiers: ClinVar variation 3005835 (VCV003005835.3), dbSNP rs1782239849, ClinGen allele CA365652515.
Genomic context (GRCh38, chr6:131,877,135, plus strand): 5'-AAGCATCCCAAAGAAGTGCACCCCCTGGTACAGTGCCCCTTCACAAGAAACCCCAGAGAT[A>T]ACCTTGGCTGCTCATGTAACCCTTCGGTAAGTATCGTCAAGAAGTTTGGTCCAGTATGTA-3'
Protein context (NP_006199.2, residues 613-633): QCPFTRNPRD[Asn623Tyr]LGCSCNPSIL